The following is an entry in ClinVar:

NM_006158.5(NEFL):c.874G>T (p.Ala292Ser)

Gene: NEFL (neurofilament light chain; minus strand). Cytogenetic location: 8p21.2.
Variant type: single nucleotide variant.
Coding change: c.874G>T on transcript NM_006158.5 (MANE Select); coding-DNA position 874, G replaced by T.
Protein change: p.Ala292Ser; replaces alanine 292 with serine.
Molecular consequence: missense variant.
Genome position (GRCh38, 1-based): chr8:24,955,642, C>A on the plus strand (G>T on the coding strand, the complement: NEFL is on the minus strand). VCF-style: chr8-24955642-C-A. GRCh37 (hg19) VCF-style: chr8-24813156-C-A.
Other names: c.874G>T (NM_006158.3); short protein forms A292S.
Identifiers: ClinVar variation 1397390 (VCV001397390.8), dbSNP rs761264386, ClinGen allele CA4681425.

ClinVar aggregate classification (germline): Uncertain significance. Review status: criteria provided, multiple submitters, no conflicts (2 of 4 stars). 2 submissions from 2 submitters: Uncertain significance (2). Last evaluated 2025-08-28.

Conditions:
Inborn genetic diseases. Identifiers: MedGen C0950123, MeSH D030342.
Charcot-Marie-Tooth disease type 2E (CMT2E). Also called: CHARCOT-MARIE-TOOTH NEUROPATHY, TYPE 2E; CHARCOT-MARIE-TOOTH DISEASE, AXONAL, TYPE 2E. Identifiers: Orphanet 99939, MedGen C1843225, MONDO:0011894, OMIM 607684.

Allele frequency attached by ClinVar (database versions not stated): gnomAD 0.00001; ExAC 0.00007; gnomAD exomes 0.00008.

Submissions (2):

Ambry Genetics
Classification: Uncertain significance for Inborn genetic diseases. Last evaluated: 2025-08-28. Review status: criteria provided, single submitter. Criteria: Ambry Variant Classification Scheme 2023. Collection method: clinical testing. Allele origin: germline.

Labcorp Genetics (formerly Invitae), Labcorp
Classification: Uncertain significance for Charcot-Marie-Tooth disease type 2E. Last evaluated: 2024-07-17. Review status: criteria provided, single submitter. Criteria: Invitae Variant Classification Sherloc (09022015). Collection method: clinical testing. Allele origin: germline.
Comment: This sequence change replaces alanine, which is neutral and non-polar, with serine, which is neutral and polar, at codon 292 of the NEFL protein (p.Ala292Ser). This variant is present in population databases (rs761264386, gnomAD 0.04%). This variant has not been reported in the literature in individuals affected with NEFL-related conditions. ClinVar contains an entry for this variant (Variation ID: 1397390). Advanced modeling of protein sequence and biophysical properties (such as structural, functional, and spatial information, amino acid conservation, physicochemical variation, residue mobility, and thermodynamic stability) performed at Invitae indicates that this missense variant is not expected to disrupt NEFL protein function with a negative predictive value of 80%. In summary, the available evidence is currently insufficient to determine the role of this variant in disease. Therefore, it has been classified as a Variant of Uncertain Significance.